The following is an entry in ClinVar:

ClinVar aggregate classification (germline): Likely benign. Review status: criteria provided, single submitter (1 of 4 stars). 2 submissions from 2 submitters: Likely benign (1). 1 of the submissions does not count toward it. Last evaluated 2024-04-01.

Conditions:
TBX3-related disorder. Also called: TBX3-related condition.
Ulnar-mammary syndrome (UMS). Also called: Ulnar-mammary syndrome of Pallister; PALLISTER ULNAR-MAMMARY SYNDROME; SCHINZEL SYNDROME. Identifiers: Orphanet 3138, MedGen C1866994, MONDO:0008411, OMIM 181450.

Allele frequency attached by ClinVar (database versions not stated): gnomAD exomes 0.00005.

Submissions (2):

Labcorp Genetics (formerly Invitae), Labcorp
Classification: Likely benign for Ulnar-mammary syndrome. Last evaluated: 2024-04-01. Review status: criteria provided, single submitter. Criteria: Invitae Variant Classification Sherloc (09022015). Collection method: clinical testing. Allele origin: germline.

PreventionGenetics, part of Exact Sciences
Classification: Likely benign for TBX3-related condition. Last evaluated: 2024-07-22. Review status: no assertion criteria provided. Collection method: clinical testing. Allele origin: germline. Not counted in ClinVar's aggregate classification.
Comment: This variant is classified as likely benign based on ACMG/AMP sequence variant interpretation guidelines (Richards et al. 2015 PMID: 25741868, with internal and published modifications).

NM_005996.4(TBX3):c.1711-6C>T

Gene: TBX3 (T-box transcription factor 3; minus strand). Cytogenetic location: 12q24.21.
Variant type: single nucleotide variant.
Coding change: c.1711-6C>T on transcript NM_005996.4 (MANE Select); 6 bases into the intron before coding-DNA position 1711, C replaced by T.
Molecular consequence: intron variant.
Genome position (GRCh38, 1-based): chr12:114,672,308, G>A on the plus strand (C>T on the coding strand, the complement: TBX3 is on the minus strand). VCF-style: chr12-114672308-G-A. GRCh37 (hg19) VCF-style: chr12-115110113-G-A.
Other names: c.1771-6C>T (NM_016569.4, NM_016569.3).
Identifiers: ClinVar variation 2886314 (VCV002886314.4), dbSNP rs985763089, ClinGen allele CA608055464.